The following is an entry in ClinVar:

ClinVar aggregate classification (germline): Uncertain significance (1 of 4 stars; one submission).

Conditions:
Norman-Roberts syndrome (LIS2). Also called: Lissencephaly 2 (Norman-Roberts type). Identifiers: Orphanet 89844, MedGen C0796089, MONDO:0009760, OMIM 257320.
Familial temporal lobe epilepsy 7. Identifiers: Orphanet 101046, MedGen C4225327, MONDO:0014639, OMIM 616436.

Allele frequency attached by ClinVar (database versions not stated): gnomAD exomes below 0.00001.
gnomAD v4.1: 1 of 1,614,192 alleles (0.000062%); highest among the groups gnomAD compares: Non-Finnish European, 0.000085%; no homozygotes.

Submission:

Labcorp Genetics (formerly Invitae), Labcorp
Classification: Uncertain significance for Familial temporal lobe epilepsy 7; Norman-Roberts syndrome. Last evaluated: 2022-03-23. Review status: criteria provided, single submitter. Criteria: Invitae Variant Classification Sherloc (09022015). Collection method: clinical testing. Allele origin: germline.
Comment: In summary, the available evidence is currently insufficient to determine the role of this variant in disease. Therefore, it has been classified as a Variant of Uncertain Significance. Algorithms developed to predict the effect of missense changes on protein structure and function (SIFT, PolyPhen-2, Align-GVGD) all suggest that this variant is likely to be tolerated. This variant has not been reported in the literature in individuals affected with RELN-related conditions. This variant is not present in population databases (gnomAD no frequency). This sequence change replaces lysine, which is basic and polar, with glutamic acid, which is acidic and polar, at codon 2814 of the RELN protein (p.Lys2814Glu).

NM_005045.4(RELN):c.8440A>G (p.Lys2814Glu)

Genes: RELN (reelin; minus strand), SLC26A5-AS1 (SLC26A5 antisense RNA 1; plus strand). Cytogenetic location: 7q22.1.
Variant type: single nucleotide variant.
Coding change: c.8440A>G on transcript NM_005045.4 (MANE Select); coding-DNA position 8440, A replaced by G.
Protein change: p.Lys2814Glu; replaces lysine 2814 with glutamic acid.
Molecular consequence: missense variant.
Genome position (GRCh38, 1-based): chr7:103,503,065, T>C on the plus strand (A>G on the coding strand, the complement: RELN is on the minus strand). VCF-style: chr7-103503065-T-C. GRCh37 (hg19) VCF-style: chr7-103143512-T-C.
Other names: c.8440A>G, p.Lys2814Glu (NM_173054.3); short protein forms K2814E.
Identifiers: ClinVar variation 1512678 (VCV001512678.8), dbSNP rs2117039456, ClinGen allele CA368756833.